The following is an entry in ClinVar:

ClinVar aggregate classification (germline): Uncertain significance. Review status: criteria provided, multiple submitters, no conflicts (2 of 4 stars). 2 submissions from 2 submitters: Uncertain significance (2). Last evaluated 2022-08-06.

Conditions:
Galactosylceramide beta-galactosidase deficiency. Also called: GALACTOCEREBROSIDASE DEFICIENCY; GALC DEFICIENCY; GLOBOID CELL LEUKOENCEPHALOPATHY; Leukodystrophy, Globoid Cell; Krabbe Disease. Identifiers: Orphanet 487, MedGen C0023521, MONDO:0009499, OMIM 245200.

Allele frequency attached by ClinVar (database versions not stated): gnomAD exomes 0.00001 and 0.00003; TOPMed 0.00001; ExAC 0.00003.
gnomAD v4.1: 10 of 1,578,238 alleles (0.00063%); highest among the groups gnomAD compares: Non-Finnish European, 0.00035%; no homozygotes.

Submissions (2):

Labcorp Genetics (formerly Invitae), Labcorp
Classification: Uncertain significance for Galactosylceramide beta-galactosidase deficiency. Last evaluated: 2022-08-06. Review status: criteria provided, single submitter. Criteria: Invitae Variant Classification Sherloc (09022015). Collection method: clinical testing. Allele origin: germline.
Comment: This sequence change replaces threonine, which is neutral and polar, with isoleucine, which is neutral and non-polar, at codon 145 of the GALC protein (p.Thr145Ile). This variant is present in population databases (rs781281519, gnomAD 0.03%). This variant has not been reported in the literature in individuals affected with GALC-related conditions. ClinVar contains an entry for this variant (Variation ID: 887747). Advanced modeling of protein sequence and biophysical properties (such as structural, functional, and spatial information, amino acid conservation, physicochemical variation, residue mobility, and thermodynamic stability) performed at Invitae indicates that this missense variant is not expected to disrupt GALC protein function. In summary, the available evidence is currently insufficient to determine the role of this variant in disease. Therefore, it has been classified as a Variant of Uncertain Significance.

Illumina Laboratory Services, Illumina
Classification: Uncertain significance for Galactosylceramide beta-galactosidase deficiency. Last evaluated: 2017-04-28. Review status: criteria provided, single submitter. Criteria: ICSL Variant Classification Criteria 13 December 2019. Collection method: clinical testing. Allele origin: germline.

NM_000153.4(GALC):c.434C>T (p.Thr145Ile)

Gene: GALC (galactosylceramidase; minus strand). Cytogenetic location: 14q31.3.
Variant type: single nucleotide variant.
Coding change: c.434C>T on transcript NM_000153.4 (MANE Select); coding-DNA position 434, C replaced by T.
Protein change: p.Thr145Ile; replaces threonine 145 with isoleucine.
Molecular consequence: missense variant.
Genome position (GRCh38, 1-based): chr14:87,986,497, G>A on the plus strand (C>T on the coding strand, the complement: GALC is on the minus strand). VCF-style: chr14-87986497-G-A. GRCh37 (hg19) VCF-style: chr14-88452841-G-A.
Other names: c.365C>T, p.Thr122Ile (NM_001201401.2); c.356C>T, p.Thr119Ile (NM_001201402.2); short protein forms T145I, T119I, T122I.
Identifiers: ClinVar variation 887747 (VCV000887747.5), dbSNP rs781281519, ClinGen allele CA7297392.
Genomic context (GRCh38, chr14:87,986,497, plus strand): 5'-TAAAAGTTAAAGGAAAAGAGACTGAAGAAACATTGCAAACTTCATTTCTTACCAATGAGT[G>A]TAATATTGGGATTCCTCTTCTTAGCTTCTTTCATCAACCACCACTCGTATCCTCGGAAAT-3'
Protein context (NP_000144.2, residues 135-155): KEAKKRNPNI[Thr145Ile]LIGLPWSFPG